The following is an entry in ClinVar:

NM_002432.3(MNDA):c.497C>T (p.Thr166Ile)

Gene: MNDA (myeloid cell nuclear differentiation antigen; plus strand). Cytogenetic location: 1q23.1.
Variant type: single nucleotide variant.
Coding change: c.497C>T on transcript NM_002432.3 (MANE Select); coding-DNA position 497, C replaced by T.
Protein change: p.Thr166Ile; replaces threonine 166 with isoleucine.
Molecular consequence: missense variant.
Genome position (GRCh38, 1-based): chr1:158,844,049, C>T. VCF-style: chr1-158844049-C-T. GRCh37 (hg19) VCF-style: chr1-158813839-C-T.
Other names: short protein forms T166I.
Identifiers: ClinVar variation 3222196 (VCV003222196.1), dbSNP rs2526081901, ClinGen allele CA343039323.

ClinVar aggregate classification (germline): Uncertain significance (1 of 4 stars; one submission).

Submission:

Ambry Genetics
Classification: Uncertain significance. Last evaluated: 2023-12-29. Review status: criteria provided, single submitter. Criteria: Ambry Variant Classification Scheme 2023. Collection method: clinical testing. Allele origin: germline.
Comment: The p.T166I variant (also known as c.497C>T), located in coding exon 3 of the MNDA gene, results from a C to T substitution at nucleotide position 497. The threonine at codon 166 is replaced by isoleucine, an amino acid with similar properties. This amino acid position is conserved. In addition, this alteration is predicted to be tolerated by in silico analysis. Since supporting evidence is limited at this time, the clinical significance of this alteration remains unclear.